The following is an entry in ClinVar:

NM_003742.4(ABCB11):c.1415A>G (p.Tyr472Cys)

Gene: ABCB11 (ATP binding cassette subfamily B member 11; minus strand). Cytogenetic location: 2q31.1.
Variant type: single nucleotide variant.
Coding change: c.1415A>G on transcript NM_003742.4 (MANE Select); coding-DNA position 1415, A replaced by G.
Protein change: p.Tyr472Cys; replaces tyrosine 472 with cysteine.
Molecular consequence: missense variant.
Genome position (GRCh38, 1-based): chr2:168,973,734, T>C on the plus strand (A>G on the coding strand, the complement: ABCB11 is on the minus strand). VCF-style: chr2-168973734-T-C. GRCh37 (hg19) VCF-style: chr2-169830244-T-C.
Other names: NM_003742.4(ABCB11):c.1415A>G; p.Tyr472Cys; c.1415A>G (NM_003742.2); short protein forms Y472C.
Identifiers: ClinVar variation 1383688 (VCV001383688.13), dbSNP rs369860506, ClinGen allele CA1951590.

ClinVar aggregate classification (germline): Pathogenic/Likely pathogenic. Review status: criteria provided, multiple submitters, no conflicts (2 of 4 stars). 9 submissions from 9 submitters: Pathogenic (2); Likely pathogenic (6). 1 of the submissions does not count toward it. Last evaluated 2026-04-14.

Conditions:
ABCB11-related disorder. Also called: ABCB11-related condition.
Progressive familial intrahepatic cholestasis type 2. Identifiers: Orphanet 79304, MedGen C3489789, MONDO:0011156, OMIM 601847.
Benign recurrent intrahepatic cholestasis type 2 (BRIC2). Also called: Recurrent familial intrahepatic cholestasis 2. Identifiers: Orphanet 65682, Orphanet 99961, MedGen C2608083, MONDO:0011559, OMIM 605479.
Familial intrahepatic cholestasis. Identifiers: Orphanet 284385, MedGen CN296401, MONDO:0017290.

Allele frequency attached by ClinVar (database versions not stated): gnomAD exomes below 0.00001 and 0.00001; TOPMed below 0.00001; gnomAD 0.00001; ExAC 0.00002; ESP Exome Variant Server 0.00008.
gnomAD v4.1: 6 of 1,611,964 alleles (0.00037%); highest among the groups gnomAD compares: Admixed American, 0.0017%; no homozygotes.

Submissions (9):

Genomenon, Inc
Classification: Likely pathogenic for Familial intrahepatic cholestasis. Last evaluated: 2026-04-14. Review status: criteria provided, single submitter. Criteria: Genomenon Sequence Variant Interpretation Standards - Updated. Collection method: curation. Allele origin: germline. Affected: yes.
Comment: ABCB11 p.Tyr472Cys (c.1415A>G) is a missense variant that changes the amino acid at residue 472 from Tyrosine to Cysteine. This variant has been observed in at least one proband with an ABCB11-related disorder (PMID:35780807;34961929;18395098;27050426;24969679). The variant was found to segregate with disease in at least one affected family (PMID:18395098). It is absent or not present at a significant frequency in gnomAD. In silico models predict that this variant is possibly or probably damaging. In conclusion, we classify ABCB11 p.Tyr472Cys (c.1415A>G) as a likely pathogenic variant.

Natera, Inc.
Classification: Likely pathogenic for Progressive familial intrahepatic cholestasis type 2. Last evaluated: 2025-11-05. Review status: criteria provided, single submitter. Criteria: Natera Variant Classification Schema (03/2026). Collection method: clinical testing. Allele origin: germline.
Comment: The c.1415A>G variant in ABCB11 is a missense variant predicted to cause substitution of tyrosine to cysteine at amino acid 472. This variant is rare in the general population with a frequency below the threshold expected for the associated phenotype(s). This variant has been observed in one or more individuals affected with the associated recessive disease, as either homozygous or compound heterozygous with a second variant (PMID: 38057357, 35780807, 34961929). Additionally, this variant has been observed to segregate in affected family members (PMID: 18395098). Computational prediction algorithms indicate this variant is likely to affect gene or protein function. Given the available evidence, this variant is classified as Likely Pathogenic.

PreventionGenetics, part of Exact Sciences
Classification: Likely pathogenic for ABCB11-related condition. Last evaluated: 2025-03-07. Review status: criteria provided, single submitter. Criteria: ACMG Guidelines, 2015. Collection method: clinical testing. Allele origin: germline.
Comment: The ABCB11 c.1415A>G variant is predicted to result in the amino acid substitution p.Tyr472Cys. This variant has been reported in the homozygous state or with a second ABCB11 variant in individuals with progressive familial intrahepatic cholestasis (see, for example, Strautnieks et al. 2008. PubMed ID: 18395098; Bakır et al. 2021. PubMed ID: 34961929; Supplementary Content, Kong et al. 2023. PubMed ID: 38057357). This variant is reported in 0.0029% of alleles in individuals of Latino descent in gnomAD. This variant is interpreted as likely pathogenic.

Broad Center for Mendelian Genomics, Broad Institute of MIT and Harvard
Classification: Likely pathogenic for Progressive familial intrahepatic cholestasis type 2. Last evaluated: 2025-01-27. Review status: criteria provided, single submitter. Criteria: ACMG Guidelines, 2015. Collection method: curation. Allele origin: germline. Inheritance: Autosomal recessive inheritance.
Comment: The p.Tyr472Cys variant in ABCB11 has been reported in four individuals with BSEP deficiency (PMID: 18395098, 24969679, 27050426, 34961929), and has been identified in 0.002% (1/59890) of Latino/Admixed American chromosomes by the Genome Aggregation Database (gnomAD; dbSNP rs369860506). Although this variant has been seen in the general population in a heterozygous state, its frequency is low enough to be consistent with a recessive carrier frequency. This variant has also been reported in ClinVar (Variation ID: 1383688) and has been interpreted as pathogenic/likely pathogenic by Invitae and Genomics And Bioinformatics Analysis Resource (Columbia University). Of the 4 affected individuals, one of those was a homozygote, which increases the likelihood that the p.Tyr472Cys variant is pathogenic (PMID: 34961929). Computational prediction tools and conservation analyses suggest that this variant may impact the protein, though this information is not predictive enough to determine pathogenicity. In summary, although additional studies are required to fully establish its clinical significance, this variant is likely pathogenic for autosomal recessive BSEP deficiency. ACMG/AMP Criteria applied: PM3_supporting, PP3_strong, PM2_supporting (Richards 2015).

Fulgent Genetics
Classification: Likely pathogenic for Progressive familial intrahepatic cholestasis type 2; Benign recurrent intrahepatic cholestasis type 2. Last evaluated: 2023-12-28. Review status: criteria provided, single submitter. Criteria: ACMG Guidelines, 2015. Collection method: clinical testing. Allele origin: germline.

Labcorp Genetics (formerly Invitae), Labcorp
Classification: Pathogenic. Last evaluated: 2023-12-09. Review status: criteria provided, single submitter. Criteria: Invitae Variant Classification Sherloc (09022015). Collection method: clinical testing. Allele origin: germline.
Comment: This sequence change replaces tyrosine, which is neutral and polar, with cysteine, which is neutral and slightly polar, at codon 472 of the ABCB11 protein (p.Tyr472Cys). This variant is present in population databases (rs369860506, gnomAD 0.003%). This missense change has been observed in individuals with ABCB11-related conditions (PMID: 18395098, 24969679, 27050426). ClinVar contains an entry for this variant (Variation ID: 1383688). Advanced modeling of protein sequence and biophysical properties (such as structural, functional, and spatial information, amino acid conservation, physicochemical variation, residue mobility, and thermodynamic stability) performed at Invitae indicates that this missense variant is expected to disrupt ABCB11 protein function with a positive predictive value of 95%. For these reasons, this variant has been classified as Pathogenic.

Baylor Genetics
Classification: Likely pathogenic for Benign recurrent intrahepatic cholestasis type 2. Last evaluated: 2023-09-07. Review status: criteria provided, single submitter. Criteria: ACMG Guidelines, 2015. Collection method: clinical testing. Allele origin: unknown.

Kariminejad - Najmabadi Pathology & Genetics Center
Classification: Pathogenic for Progressive familial intrahepatic cholestasis type 2. Review status: criteria provided, single submitter. Criteria: ACMG Guidelines, 2015. Collection method: clinical testing. Allele origin: germline. Affected: no.

Genomics And Bioinformatics Analysis Resource, Columbia University
Classification: Likely pathogenic for Progressive familial intrahepatic cholestasis type 2. Review status: no assertion criteria provided. Collection method: research. Allele origin: unknown. Affected: yes. Not counted in ClinVar's aggregate classification.
Comment: Compound Heterozygous

Literature cited by the submitters: PubMed 35780807 (cited by Genomenon, Inc and Natera, Inc.); PubMed 34961929 (cited by Genomenon, Inc and Natera, Inc.); PubMed 18395098 (cited by 3 submitters); PubMed 27050426 (cited by Genomenon, Inc and Labcorp Genetics (formerly Invitae), Labcorp); PubMed 24969679 (cited by Genomenon, Inc and Labcorp Genetics (formerly Invitae), Labcorp); PubMed 38057357 (cited by Natera, Inc.).